The following is an entry in ClinVar:

NM_173500.4(TTBK2):c.1782A>C (p.Gln594His)

Gene: TTBK2 (tau tubulin kinase 2; minus strand). Cytogenetic location: 15q15.2.
Variant type: single nucleotide variant.
Coding change: c.1782A>C on transcript NM_173500.4 (MANE Select); coding-DNA position 1782, A replaced by C.
Protein change: p.Gln594His; replaces glutamine 594 with histidine.
Molecular consequence: missense variant.
Genome position (GRCh38, 1-based): chr15:42,775,351, T>G on the plus strand (A>C on the coding strand, the complement: TTBK2 is on the minus strand). VCF-style: chr15-42775351-T-G. GRCh37 (hg19) VCF-style: chr15-43067549-T-G.
Other names: short protein forms Q594H.
Identifiers: ClinVar variation 1962322 (VCV001962322.5), dbSNP rs1333167433, ClinGen allele CA392011983.

ClinVar aggregate classification (germline): Uncertain significance (1 of 4 stars; one submission).

gnomAD v4.1: 4 of 1,614,262 alleles (0.00025%); highest among the groups gnomAD compares: Non-Finnish European, 0.00034%; no homozygotes.

Submission:

Labcorp Genetics (formerly Invitae), Labcorp
Classification: Uncertain significance. Last evaluated: 2022-11-01. Review status: criteria provided, single submitter. Criteria: Invitae Variant Classification Sherloc (09022015). Collection method: clinical testing. Allele origin: germline.
Comment: This sequence change replaces glutamine, which is neutral and polar, with histidine, which is basic and polar, at codon 594 of the TTBK2 protein (p.Gln594His). This variant is not present in population databases (gnomAD no frequency). This variant has not been reported in the literature in individuals affected with TTBK2-related conditions. Advanced modeling of protein sequence and biophysical properties (such as structural, functional, and spatial information, amino acid conservation, physicochemical variation, residue mobility, and thermodynamic stability) performed at Invitae indicates that this missense variant is not expected to disrupt TTBK2 protein function. In summary, the available evidence is currently insufficient to determine the role of this variant in disease. Therefore, it has been classified as a Variant of Uncertain Significance.